The following is an entry in ClinVar:

ClinVar aggregate classification (germline): Pathogenic. Review status: criteria provided, multiple submitters, no conflicts (2 of 4 stars). 2 submissions from 2 submitters: Pathogenic (2). Last evaluated 2023-05-27.

Conditions:
Polycystic kidney disease, adult type (PKD1). Also called: Polycystic Kidney Disease 1, Autosomal Dominant; Polycystic kidney disease 1; Polycystic kidney disease 1, severe; POLYCYSTIC KIDNEY DISEASE, ADULT, TYPE I; Polycystic Kidney, Autosomal Dominant; POLYCYSTIC KIDNEY DISEASE 1 WITH OR WITHOUT POLYCYSTIC LIVER DISEASE. Identifiers: MedGen C3149841, MONDO:0008263, OMIM 173900.
PKD1-related disorder. Also called: PKD1-related condition.

Submissions (3):

PreventionGenetics, part of Exact Sciences
Classification: Pathogenic for PKD1-related condition. Last evaluated: 2023-05-27. Review status: criteria provided, single submitter. Criteria: ACMG Guidelines, 2015. Collection method: clinical testing. Allele origin: germline.
Comment: The PKD1 c.10619-2A>G variant is predicted to disrupt the AG splice acceptor site and interfere with normal splicing. This variant, also known as IVS35-2A>G, has been reported in individuals with autosomal dominant polycystic kidney disease (Table 1A of Appendix, Rossetti et al 2007. PubMed ID: 17582161; Obeidova L et al 2020. PubMed ID: 32574212). This variant has not been reported in a large population database, indicating this variant is rare. Variants that disrupt the consensus splice acceptor site in PKD1 are expected to be pathogenic. This variant is interpreted as pathogenic.

Juno Genomics, Hangzhou Juno Genomics, Inc
Classification: Pathogenic for Polycystic kidney disease, adult type. Review status: criteria provided, single submitter. Criteria: ACMG Guidelines, 2015. Collection method: clinical testing. Allele origin: germline. Affected: yes.
Comment: Absent from controls (or at extremely low frequency if recessive) in Genome Aggregation Database, Exome Sequencing Project, 1000 Genomes Project, or Exome Aggregation Consortium.;Null variant in a gene where loss of function (LOF) is a known mechanism of disease.;Patient's phenotype or family history is highly specific for a disease with a single genetic etiology.

Dr. Peter K. Rogan Lab, Western University
No classification provided (evidence only). Condition: Gastric cancer. Review status: no classification provided. Collection method: in vitro. Allele origin: not applicable. Functional consequence: retained intron. Not counted in ClinVar's aggregate classification.

NM_001009944.3(PKD1):c.10619-2A>G

Genes: PKD1 (polycystin 1, transient receptor potential channel interacting; minus strand), PKD1-AS1 (PKD1 antisense RNA 1; plus strand). Cytogenetic location: 16p13.3.
Variant type: single nucleotide variant.
Coding change: c.10619-2A>G on transcript NM_001009944.3 (MANE Select); the canonical splice acceptor site of the intron before coding-DNA position 10619, A replaced by G.
Molecular consequence: splice acceptor variant.
Genome position (GRCh38, 1-based): chr16:2,094,015, T>C on the plus strand (A>G on the coding strand, the complement: PKD1 is on the minus strand). VCF-style: chr16-2094015-T-C. GRCh37 (hg19) VCF-style: chr16-2144016-T-C.
Other names: NC_000016.9:g.2144016T>C; c.10616-2A>G (NM_000296.4).
Identifiers: ClinVar variation 2632584 (VCV002632584.4), dbSNP rs2544652543, ClinGen allele CA394341148.